The following is an entry in ClinVar:

NM_000059.4(BRCA2):c.8995C>T (p.Leu2999=)

Gene: BRCA2 (BRCA2 DNA repair associated; plus strand). Cytogenetic location: 13q13.1.
Variant type: single nucleotide variant.
Coding change: c.8995C>T on transcript NM_000059.4 (MANE Select); coding-DNA position 8995, C replaced by T.
Protein change: p.Leu2999=; no amino-acid change (leucine 2999 retained).
Molecular consequence: synonymous variant. On other transcripts: non-coding transcript variant (1), intron variant (1).
Genome position (GRCh38, 1-based): chr13:32,379,791, C>T. VCF-style: chr13-32379791-C-T. GRCh37 (hg19) VCF-style: chr13-32953928-C-T.
Other names: c.8899C>T, p.Leu2967= (NM_001406719.1); c.4063C>T, p.Leu1355= (NM_001406721.1); c.2578C>T, p.Leu860= (NM_001406722.1); c.8995C>T, p.Leu2999= (NM_001432077.1); c.8954-10C>T (NM_001406720.1).
Identifiers: ClinVar variation 3572373 (VCV003572373.2).

ClinVar aggregate classification (germline): Conflicting classifications of pathogenicity. Review status: criteria provided, conflicting classifications (1 of 4 stars). 2 submissions from 2 submitters: Uncertain significance (1); Likely benign (1). Last evaluated 2025-06-24.

Conditions:
Hereditary cancer-predisposing syndrome. Also called: Hereditary Cancer Syndrome; Hereditary neoplastic syndrome; Tumor predisposition; Neoplastic Syndromes, Hereditary. Identifiers: Orphanet 140162, MedGen C0027672, MeSH D009386, MONDO:0015356.

Submissions (2):

Ambry Genetics
Classification: Likely benign for Hereditary cancer-predisposing syndrome. Last evaluated: 2025-06-24. Review status: criteria provided, single submitter. Criteria: Ambry Variant Classification Scheme 2023. Collection method: clinical testing. Allele origin: germline.

Quest Diagnostics Nichols Institute San Juan Capistrano
Classification: Uncertain significance. Last evaluated: 2024-10-26. Review status: criteria provided, single submitter. Criteria: Quest Diagnostics criteria. Collection method: clinical testing. Allele origin: unknown.
Comment: The BRCA2 c.8995C>T (p.Leu2999=) synonymous variant has not been reported in individuals with BRCA2-related conditions in the published literature. It also has not been reported in large, multi-ethnic general populations (Genome Aggregation Database). Analysis of this variant using software algorithms for the prediction of the effect of nucleotide changes on splicing yielded predictions that this variant does not affect BRCA2 mRNA splicing. Based on the available information, we are unable to determine the clinical significance of this variant.